The following is an entry in ClinVar:

NM_018137.3(PRMT6):c.581C>T (p.Ala194Val)

Genes: PRMT6 (protein arginine methyltransferase 6; plus strand), LOC129931066 (ATAC-STARR-seq lymphoblastoid active region 1417; plus strand). Cytogenetic location: 1p13.3.
Variant type: single nucleotide variant.
Coding change: c.581C>T on transcript NM_018137.3 (MANE Select); coding-DNA position 581, C replaced by T.
Protein change: p.Ala194Val; replaces alanine 194 with valine.
Molecular consequence: missense variant.
Genome position (GRCh38, 1-based): chr1:107,057,296, C>T. VCF-style: chr1-107057296-C-T. GRCh37 (hg19) VCF-style: chr1-107599918-C-T.
Other names: short protein forms A194V.
Identifiers: ClinVar variation 3060084 (VCV003060084.2), dbSNP rs2232016, ClinGen allele CA977317.

ClinVar aggregate classification (germline): Benign (0 of 4 stars; one submission).

Conditions:
PRMT6-related disorder. Also called: PRMT6-related condition.

Allele frequency attached by ClinVar (database versions not stated): 1000 Genomes Project 30x 0.11993; 1000 Genomes Project 0.12520; ESP Exome Variant Server 0.15494.

Submission:

PreventionGenetics, part of Exact Sciences
Classification: Benign for PRMT6-related condition. Last evaluated: 2019-10-30. Review status: no assertion criteria provided. Collection method: clinical testing. Allele origin: germline.
Comment: This variant is classified as benign based on ACMG/AMP sequence variant interpretation guidelines (Richards et al. 2015 PMID: 25741868, with internal and published modifications).